The following is an entry in ClinVar:

NM_014989.7(RIMS1):c.2801A>G (p.Lys934Arg)

Gene: RIMS1 (regulating synaptic membrane exocytosis 1; plus strand). Cytogenetic location: 6q13.
Variant type: single nucleotide variant.
Coding change: c.2801A>G on transcript NM_014989.7 (MANE Select); coding-DNA position 2801, A replaced by G.
Protein change: p.Lys934Arg; replaces lysine 934 with arginine.
Molecular consequence: missense variant.
Genome position (GRCh38, 1-based): chr6:72,258,155, A>G. VCF-style: chr6-72258155-A-G. GRCh37 (hg19) VCF-style: chr6-72967858-A-G.
Other names: c.1220A>G, p.Lys407Arg (NM_001168407.2, NM_001350415.2, NM_001350418.2 and 19 more transcripts); c.1223A>G, p.Lys408Arg (NM_001168408.2, NM_001350414.2, NM_001350416.2 and 15 more transcripts); c.980A>G, p.Lys327Arg (NM_001168409.2, NM_001350464.2, NM_001350465.2 and 3 more transcripts); c.1178A>G, p.Lys393Arg (NM_001168410.2, NM_001350470.2, NM_001350473.2 and 1 more transcripts); c.1151A>G, p.Lys384Arg (NM_001350421.2, NM_001350430.2, NM_001350437.2 and 2 more transcripts); c.1154A>G, p.Lys385Arg (NM_001350424.2, NM_001350428.2, NM_001350459.2 and 1 more transcripts); c.977A>G, p.Lys326Arg (NM_001350461.2, NM_001350463.2, NM_001350468.2); c.1175A>G, p.Lys392Arg (NM_001350472.2); short protein forms K326R, K327R, K384R, K385R, K392R, K393R, K407R, K408R.
Identifiers: ClinVar variation 1058732 (VCV001058732.9), dbSNP rs2076635179, ClinGen allele CA364681454.
Genomic context (GRCh38, chr6:72,258,155, plus strand): 5'-CTAAATTTTTTCTGTGTGTACTTTTGCCAGTAGGCTATAGGTCTAGTGCTAGAGAAAGTA[A>G]ATCTACAACATTAACTGTGCCAGAACAGCAAAGAACAACTCATCACCGCTCACGTTCAGT-3'
Protein context (NP_055804.2, residues 924-944): VGYRSSARES[Lys934Arg]STTLTVPEQQ

ClinVar aggregate classification (germline): Uncertain significance (1 of 4 stars; one submission).

Submission:

Labcorp Genetics (formerly Invitae), Labcorp
Classification: Uncertain significance. Last evaluated: 2024-08-12. Review status: criteria provided, single submitter. Criteria: Invitae Variant Classification Sherloc (09022015). Collection method: clinical testing. Allele origin: germline.
Comment: This sequence change replaces lysine, which is basic and polar, with arginine, which is basic and polar, at codon 934 of the RIMS1 protein (p.Lys934Arg). This variant is not present in population databases (gnomAD no frequency). This variant has not been reported in the literature in individuals affected with RIMS1-related conditions. ClinVar contains an entry for this variant (Variation ID: 1058732). An algorithm developed to predict the effect of missense changes on protein structure and function (PolyPhen-2) suggests that this variant is likely to be tolerated. In summary, the available evidence is currently insufficient to determine the role of this variant in disease. Therefore, it has been classified as a Variant of Uncertain Significance.